The following is an entry in ClinVar:

ClinVar aggregate classification (germline): Benign/Likely benign. Review status: criteria provided, multiple submitters, no conflicts (2 of 4 stars). 4 submissions from 4 submitters: Benign (3); Likely benign (1). Last evaluated 2025-12-15.

Allele frequency attached by ClinVar (database versions not stated): gnomAD 0.00058 and 0.00065; TOPMed 0.00059; gnomAD exomes 0.00062 and 0.00111; ESP Exome Variant Server 0.00069; ExAC 0.00093; 1000 Genomes Project 30x 0.00016; 1000 Genomes Project 0.00020.
gnomAD v4.1: 1,069 of 1,612,524 alleles (0.066%); highest among the groups gnomAD compares: South Asian, 0.31%; 5 homozygotes.

Submissions (4):

Labcorp Genetics (formerly Invitae), Labcorp
Classification: Benign. Last evaluated: 2025-12-15. Review status: criteria provided, single submitter. Criteria: Invitae Variant Classification Sherloc (09022015). Collection method: clinical testing. Allele origin: germline.

CeGaT Center for Human Genetics Tuebingen
Classification: Likely benign. Last evaluated: 2024-02-01. Review status: criteria provided, single submitter. Criteria: CeGaT Center For Human Genetics Tuebingen Variant Classification Criteria Version 2. Collection method: clinical testing. Allele origin: germline. Affected: yes. Observed: 1 variant allele.
Comment: SLC27A5: BP4, BS1

Eurofins Ntd Llc (ga)
Classification: Benign. Last evaluated: 2017-03-03. Review status: criteria provided, single submitter. Criteria: EGL Classification Definitions 2015. Collection method: clinical testing. Allele origin: germline. Observed: 4 variant alleles, 4 heterozygotes.

Breakthrough Genomics
Classification: Benign. Review status: criteria provided, single submitter. Criteria: ACMG Guidelines, 2015. Collection method: not provided. Allele origin: germline. Inheritance: Unknown mechanism. Affected: yes.

NM_012254.3(SLC27A5):c.743G>A (p.Arg248His)

Gene: SLC27A5 (solute carrier family 27 member 5; minus strand). Cytogenetic location: 19q13.43.
Variant type: single nucleotide variant.
Coding change: c.743G>A on transcript NM_012254.3 (MANE Select); coding-DNA position 743, G replaced by A.
Protein change: p.Arg248His; replaces arginine 248 with histidine.
Molecular consequence: missense variant.
Genome position (GRCh38, 1-based): chr19:58,510,876, C>T on the plus strand (G>A on the coding strand, the complement: SLC27A5 is on the minus strand). VCF-style: chr19-58510876-C-T. GRCh37 (hg19) VCF-style: chr19-59022243-C-T.
Other names: c.491G>A, p.Arg164His (NM_001321196.2); short protein forms R248H, R164H.
Identifiers: ClinVar variation 195288 (VCV000195288.31), dbSNP rs138318343, ClinGen allele CA241648.